The following is an entry in ClinVar:

ClinVar aggregate classification (germline): Pathogenic (1 of 4 stars; one submission).

Submission:

Labcorp Genetics (formerly Invitae), Labcorp
Classification: Pathogenic. Last evaluated: 2022-08-06. Review status: criteria provided, single submitter. Criteria: Invitae Variant Classification Sherloc (09022015). Collection method: clinical testing. Allele origin: germline.
Comment: This variant has not been reported in the literature in individuals affected with OPA1-related conditions. This variant is not present in population databases (gnomAD no frequency). This sequence change creates a premature translational stop signal (p.Leu624Valfs*10) in the OPA1 gene. It is expected to result in an absent or disrupted protein product. Loss-of-function variants in OPA1 are known to be pathogenic (PMID: 11440988, 20157015, 20952381, 25012220). For these reasons, this variant has been classified as Pathogenic.

Literature cited by the submitters: PubMed 11440988; PubMed 20157015; PubMed 20952381; PubMed 25012220.

NM_130837.3(OPA1):c.2035_2036del (p.Leu679fs)

Gene: OPA1 (OPA1 mitochondrial dynamin like GTPase; plus strand). Cytogenetic location: 3q29.
Variant type: Deletion.
Coding change: c.2035_2036del on transcript NM_130837.3 (MANE Select); coding-DNA positions 2035 to 2036, 2 bases deleted (TT; older notation c.2035_2036delTT).
Protein change: p.Leu679fs; shifts the reading frame from leucine 679.
Molecular consequence: frameshift variant.
Genome position (GRCh38, 1-based): chr3:193,654,884-193,654,885, TT deleted; deleting any 2 consecutive bases within chr3:193,654,883-193,654,885 gives the same sequence; the c. name uses the placement nearest the transcript's 3' end. VCF-style (leftmost placement, unchanged base first): chr3-193654882-CTT-C. GRCh37 (hg19) VCF-style: chr3-193372671-CTT-C.
Other names: c.1501_1502del, p.Leu501fs (NM_001354663.2); c.1498_1499del, p.Leu500fs (NM_001354664.2); c.1870_1871del, p.Leu624fs (NM_015560.3); c.1762_1763del, p.Leu588fs (NM_130831.3); c.1816_1817del, p.Leu606fs (NM_130832.3); c.1873_1874del, p.Leu625fs (NM_130833.3); c.1924_1925del, p.Leu642fs (NM_130834.3); c.1927_1928del, p.Leu643fs (NM_130835.3); and 1 more; short protein forms L500fs, L501fs, L588fs, L624fs, L643fs, L679fs, L606fs, L625fs.
Identifiers: ClinVar variation 2022169 (VCV002022169.4), dbSNP rs2475017049, ClinGen allele CA2580070553.